The following is an entry in ClinVar:

NM_000138.5(FBN1):c.1859del (p.Pro620fs)

Gene: FBN1 (fibrillin 1; minus strand). Cytogenetic location: 15q21.1.
Variant type: Deletion.
Coding change: c.1859del on transcript NM_000138.5 (MANE Select); coding-DNA position 1859, one base deleted (C; older notation c.1859delC).
Protein change: p.Pro620fs; shifts the reading frame from proline 620.
Molecular consequence: frameshift variant.
Genome position (GRCh38, 1-based): chr15:48,505,126, G deleted on the plus strand (C on the coding strand, the reverse complement: FBN1 is on the minus strand); the first of 4 consecutive G bases (chr15:48,505,126-48,505,129); deleting any one gives the same sequence. VCF-style (leftmost placement, unchanged base first): chr15-48505125-AG-A. GRCh37 (hg19) VCF-style: chr15-48797322-AG-A.
Other names: c.1859del, p.Pro620fs (NM_001406716.1); short protein forms P620fs.
Identifiers: ClinVar variation 2948122 (VCV002948122.3), dbSNP rs2505595260, ClinGen allele CA2740096678.

ClinVar aggregate classification (germline): Pathogenic (1 of 4 stars; one submission).

Conditions:
Marfan syndrome (MFS). Also called: MARFAN SYNDROME, TYPE I; Marfan syndrome type 1; Marfan's syndrome; Marfan syndrome, classic; FBN1-Related Marfan Syndrome. Identifiers: Orphanet 284963, Orphanet 558, MedGen C0024796, MONDO:0007947, OMIM 154700.
Familial thoracic aortic aneurysm and aortic dissection (TAAD). Also called: Thoracic aortic aneurysms and dissections. Identifiers: Orphanet 91387, MedGen C4707243, MONDO:0019625.

Submission:

Labcorp Genetics (formerly Invitae), Labcorp
Classification: Pathogenic for Marfan syndrome; Familial thoracic aortic aneurysm and aortic dissection. Last evaluated: 2023-05-22. Review status: criteria provided, single submitter. Criteria: Invitae Variant Classification Sherloc (09022015). Collection method: clinical testing. Allele origin: germline.
Comment: This sequence change creates a premature translational stop signal (p.Pro620Leufs*5) in the FBN1 gene. It is expected to result in an absent or disrupted protein product. Loss-of-function variants in FBN1 are known to be pathogenic (PMID: 17657824, 19293843). This variant is not present in population databases (gnomAD no frequency). This variant has not been reported in the literature in individuals affected with FBN1-related conditions. For these reasons, this variant has been classified as Pathogenic.

Literature cited by the submitters: PubMed 17657824; PubMed 19293843.